The following is an entry in ClinVar:

NM_000381.4(MID1):c.1814G>T (p.Gly605Val)

Genes: MID1 (midline 1; minus strand), LOC126863207 (BRD4-independent group 4 enhancer GRCh37_chrX:10416979-10418178; plus strand). Cytogenetic location: Xp22.2.
Variant type: single nucleotide variant.
Coding change: c.1814G>T on transcript NM_000381.4 (MANE Select); coding-DNA position 1814, G replaced by T.
Protein change: p.Gly605Val; replaces glycine 605 with valine.
Molecular consequence: missense variant.
Genome position (GRCh38, 1-based): chrX:10,449,558, C>A on the plus strand (G>T on the coding strand, the complement: MID1 is on the minus strand). VCF-style: chrX-10449558-C-A. GRCh37 (hg19) VCF-style: chrX-10417598-C-A.
Other names: c.1814G>T, p.Gly605Val (NM_001098624.2, NM_001193277.1, NM_001347733.2 and 1 more transcripts); c.1700G>T, p.Gly567Val (NM_033289.2); short protein forms G567V, G605V.
Identifiers: ClinVar variation 3256591 (VCV003256591.1).

ClinVar aggregate classification (germline): Likely pathogenic (1 of 4 stars; one submission).

Conditions:
X-linked Opitz G/BBB syndrome (GBBB). Also called: MID1-Related Opitz G/BBB Syndrome; OPITZ BBBG SYNDROME, TYPE I; OPITZ SYNDROME, X-LINKED; OPITZ-G SYNDROME, TYPE I; Opitz-Frias syndrome. Identifiers: Orphanet 2745, MedGen C2936904, MONDO:0010222, OMIM 300000.

Submission:

Laboratory of Medical Genetics, National & Kapodistrian University of Athens
Classification: Likely pathogenic for X-linked Opitz G/BBB syndrome. Last evaluated: 2024-02-01. Review status: criteria provided, single submitter. Criteria: ACMG Guidelines, 2015. Collection method: clinical testing. Allele origin: de novo. Affected: yes.
Comment: PS2, PM2, PP3 - Absent from gnomAD. In silico prediction tools estimated that the variant could be damaging for the protein function/stracture. The variant was detected de novo (paternity confirmed).